The following is an entry in ClinVar:

NM_003718.5(CDK13):c.763GGC[3] (p.Gly256_Arg257insGly)

Gene: CDK13 (cyclin dependent kinase 13; plus strand). Cytogenetic location: 7p14.1.
Variant type: Microsatellite.
Coding change: c.763GGC[3] on transcript NM_003718.5 (MANE Select); three copies in a row of the 3-base unit GGC starting at c.763; the reference has two copies in a row; one copy, 3 bases duplicated.
Protein change: p.Gly256_Arg257insGly.
Molecular consequence: inframe indel (on NM_031267.4).
Genome position (GRCh38, 1-based): chr7:39,951,407-39,951,409, GGC duplicated; duplicating any 3 consecutive bases within chr7:39,951,402-39,951,409 gives the same sequence; the position shown is the placement nearest the transcript's 3' end. VCF-style (leftmost placement, unchanged base first): chr7-39951401-A-AGCG. GRCh37 (hg19) VCF-style: chr7-39991000-A-AGCG.
Other names: c.763_765GGC[3], p.Gly256_Arg257insGly (NM_031267.4).
Identifiers: ClinVar variation 2794690 (VCV002794690.3), dbSNP rs1787188414, ClinGen allele CA1701711296.
Genomic context (GRCh38, chr7:39,951,401, plus strand): 5'-CGCCACAGCCACAGCGGCGAGGAACGGGCCGAGGTCGCCAAGAGCGGCAGCAGCAGCAGC[A>AGCG]GCGGCGGCCGCCGGAAAAGCGCTTCGGCCACATCCAGCAGCAGTAGCAGCCGCAAGGACC-3'

ClinVar aggregate classification (germline): Uncertain significance (1 of 4 stars; one submission).

Submission:

Labcorp Genetics (formerly Invitae), Labcorp
Classification: Uncertain significance. Last evaluated: 2023-05-04. Review status: criteria provided, single submitter. Criteria: Invitae Variant Classification Sherloc (09022015). Collection method: clinical testing. Allele origin: germline.
Comment: In summary, the available evidence is currently insufficient to determine the role of this variant in disease. Therefore, it has been classified as a Variant of Uncertain Significance. This variant has not been reported in the literature in individuals affected with CDK13-related conditions. This variant is not present in population databases (gnomAD no frequency). This variant, c.766_768dup, results in the insertion of 1 amino acid(s) of the CDK13 protein (p.Gly256dup), but otherwise preserves the integrity of the reading frame.